The following is an entry in ClinVar:

NM_012062.5(DNM1L):c.1356+6G>A

Gene: DNM1L (dynamin 1L; plus strand). Cytogenetic location: 12p11.21.
Variant type: single nucleotide variant.
Coding change: c.1356+6G>A on transcript NM_012062.5 (MANE Select); 6 bases into the intron after coding-DNA position 1356, G replaced by A.
Molecular consequence: intron variant.
Genome position (GRCh38, 1-based): chr12:32,731,517, G>A. VCF-style: chr12-32731517-G-A. GRCh37 (hg19) VCF-style: chr12-32884451-G-A.
Other names: p.?; c.1395+6G>A (NM_001278464.2, NM_001278465.2, NM_001330380.2); c.747+6G>A (NM_001278466.2); c.1356+6G>A (NM_001278463.2, NM_012063.4, NM_005690.5).
Identifiers: ClinVar variation 1487360 (VCV001487360.31), dbSNP rs201894145, ClinGen allele CA6507504.

ClinVar aggregate classification (germline): Conflicting classifications of pathogenicity. Review status: criteria provided, conflicting classifications (1 of 4 stars). 3 submissions from 3 submitters: Uncertain significance (1); Likely benign (2). Last evaluated 2025-09-23.

Allele frequency attached by ClinVar (database versions not stated): ExAC 0.00007; gnomAD exomes 0.00009 and 0.00024; TOPMed 0.00013; gnomAD 0.00016.
gnomAD v4.1: 369 of 1,613,772 alleles (0.023%); highest among the groups gnomAD compares: Non-Finnish European, 0.03%; no homozygotes.

Submissions (3):

Labcorp Genetics (formerly Invitae), Labcorp
Classification: Uncertain significance. Last evaluated: 2025-09-23. Review status: criteria provided, single submitter. Criteria: Invitae Variant Classification Sherloc (09022015). Collection method: clinical testing. Allele origin: germline.
Comment: This sequence change falls in intron 11 of the DNM1L gene. It does not directly change the encoded amino acid sequence of the DNM1L protein. It affects a nucleotide within the consensus splice site. This variant is present in population databases (rs201894145, gnomAD 0.02%). This variant has not been reported in the literature in individuals affected with DNM1L-related conditions. ClinVar contains an entry for this variant (Variation ID: 1487360). Variants that disrupt the consensus splice site are a relatively common cause of aberrant splicing (PMID: 17576681, 9536098). Algorithms developed to predict the effect of sequence changes on RNA splicing suggest that this variant is not likely to affect RNA splicing. In summary, the available evidence is currently insufficient to determine the role of this variant in disease. Therefore, it has been classified as a Variant of Uncertain Significance.

Mayo Clinic Laboratories, Mayo Clinic
Classification: Likely benign. Last evaluated: 2025-09-19. Review status: criteria provided, single submitter. Criteria: ACMG Guidelines, 2015. Collection method: clinical testing. Allele origin: germline. Observed: 1 variant allele.
Comment: BP4, BP7

CeGaT Center for Human Genetics Tuebingen
Classification: Likely benign. Last evaluated: 2023-03-01. Review status: criteria provided, single submitter. Criteria: CeGaT Center For Human Genetics Tuebingen Variant Classification Criteria Version 2. Collection method: clinical testing. Allele origin: germline. Affected: yes. Observed: 2 variant alleles.
Comment: DNM1L: BP4

Literature cited by the submitters: PubMed 17576681 (cited by Labcorp Genetics (formerly Invitae), Labcorp); PubMed 9536098 (cited by Labcorp Genetics (formerly Invitae), Labcorp).